The following is an entry in ClinVar:

NM_003070.5(SMARCA2):c.1696G>T (p.Ala566Ser)

Gene: SMARCA2 (SWI/SNF related BAF chromatin remodeling complex subunit ATPase 2; plus strand). Cytogenetic location: 9p24.3.
Variant type: single nucleotide variant.
Coding change: c.1696G>T on transcript NM_003070.5 (MANE Select); coding-DNA position 1696, G replaced by T.
Protein change: p.Ala566Ser; replaces alanine 566 with serine.
Molecular consequence: missense variant.
Genome position (GRCh38, 1-based): chr9:2,070,421, G>T. VCF-style: chr9-2070421-G-T. GRCh37 (hg19) VCF-style: chr9-2070421-G-T.
Other names: c.1696G>T, p.Ala566Ser (NM_001289396.2, NM_001289397.2, NM_139045.4); short protein forms A566S.
Identifiers: ClinVar variation 4781879 (VCV004781879.1).

ClinVar aggregate classification (germline): Uncertain significance (1 of 4 stars; one submission).

gnomAD v4.1: 2 of 1,613,790 alleles (0.00012%); highest among the groups gnomAD compares: Admixed American, 0.0017%; no homozygotes.

Submission:

Labcorp Genetics (formerly Invitae), Labcorp
Classification: Uncertain significance. Last evaluated: 2025-02-12. Review status: criteria provided, single submitter. Criteria: Invitae Variant Classification Sherloc (09022015). Collection method: clinical testing. Allele origin: germline.
Comment: This sequence change replaces alanine, which is neutral and non-polar, with serine, which is neutral and polar, at codon 566 of the SMARCA2 protein (p.Ala566Ser). This variant is not present in population databases (gnomAD no frequency). This variant has not been reported in the literature in individuals affected with SMARCA2-related conditions. Invitae Evidence Modeling of protein sequence and biophysical properties (such as structural, functional, and spatial information, amino acid conservation, physicochemical variation, residue mobility, and thermodynamic stability) has been performed for this missense variant. However, the output from this modeling did not meet the statistical confidence thresholds required to predict the impact of this variant on SMARCA2 protein function. In summary, the available evidence is currently insufficient to determine the role of this variant in disease. Therefore, it has been classified as a Variant of Uncertain Significance.